The following is an entry in ClinVar:

NM_000901.5(NR3C2):c.556_557del (p.Met186fs)

Gene: NR3C2 (nuclear receptor subfamily 3 group C member 2; minus strand). Cytogenetic location: 4q31.23.
Variant type: Deletion.
Coding change: c.556_557del on transcript NM_000901.5 (MANE Select); coding-DNA positions 556 to 557, 2 bases deleted (AT; older notation c.556_557delAT).
Protein change: p.Met186fs; shifts the reading frame from methionine 186.
Molecular consequence: frameshift variant. On other transcripts: non-coding transcript variant (1).
Genome position (GRCh38, 1-based): chr4:148,436,304-148,436,305, AT deleted on the plus strand (AT on the coding strand, the reverse complement: NR3C2 is on the minus strand). VCF-style (leftmost placement, unchanged base first): chr4-148436303-CAT-C. GRCh37 (hg19) VCF-style: chr4-149357455-CAT-C.
Other names: c.556_557del, p.Met186fs (NM_001166104.2, NM_001354819.1); short protein forms M186fs.
Identifiers: ClinVar variation 2578204 (VCV002578204.3), dbSNP rs1750066791, ClinGen allele CA1502459361.

ClinVar aggregate classification (germline): Pathogenic. Review status: criteria provided, multiple submitters, no conflicts (2 of 4 stars). 2 submissions from 2 submitters: Pathogenic (2). Last evaluated 2025-03-06.

Submissions (2):

Labcorp Genetics (formerly Invitae), Labcorp
Classification: Pathogenic. Last evaluated: 2025-03-06. Review status: criteria provided, single submitter. Criteria: Invitae Variant Classification Sherloc (09022015). Collection method: clinical testing. Allele origin: germline.
Comment: This sequence change creates a premature translational stop signal (p.Met186Valfs*3) in the NR3C2 gene. It is expected to result in an absent or disrupted protein product. Loss-of-function variants in NR3C2 are known to be pathogenic (PMID: 9662404, 16611713, 16972228). This variant is not present in population databases (gnomAD no frequency). This variant has not been reported in the literature in individuals affected with NR3C2-related conditions. ClinVar contains an entry for this variant (Variation ID: 2578204). For these reasons, this variant has been classified as Pathogenic.

GeneDx
Classification: Pathogenic. Last evaluated: 2023-08-30. Review status: criteria provided, single submitter. Criteria: GeneDx Variant Classification Process June 2021. Collection method: clinical testing. Allele origin: germline. Affected: yes.
Comment: Observed in an individual with pseudohypoaldosteronism type 1 and inherited from the patient's mother; however, clinical information was not provided on the parents (Zennaro and Fernandes-Rosa, 2017); Frameshift variant predicted to result in protein truncation or nonsense mediated decay in a gene for which loss of function is a known mechanism of disease; Not observed at significant frequency in large population cohorts (gnomAD); This variant is associated with the following publications: (PMID: 28348114)

Literature cited by the submitters: PubMed 9662404 (cited by Labcorp Genetics (formerly Invitae), Labcorp); PubMed 16611713 (cited by Labcorp Genetics (formerly Invitae), Labcorp); PubMed 16972228 (cited by Labcorp Genetics (formerly Invitae), Labcorp).